The following is an entry in ClinVar:

NM_000179.3(MSH6):c.3172+4A>G

Gene: MSH6 (mutS homolog 6; plus strand). Cytogenetic location: 2p16.3.
Variant type: single nucleotide variant.
Coding change: c.3172+4A>G on transcript NM_000179.3 (MANE Select); 4 bases into the intron after coding-DNA position 3172, A replaced by G.
Molecular consequence: intron variant.
Genome position (GRCh38, 1-based): chr2:47,801,159, A>G. VCF-style: chr2-47801159-A-G. GRCh37 (hg19) VCF-style: chr2-48028298-A-G.
Other names: c.2266+4A>G (NM_001281494.2, NM_001406815.1, NM_001406829.1 and 6 more transcripts); c.2875+4A>G (NM_001406830.1, NM_001406818.1, NM_001406821.1 and 10 more transcripts); c.2647+4A>G (NM_001406806.1, NM_001406807.1, NM_001406799.1); c.3004+4A>G (NM_001406826.1); c.3172+4A>G (NM_001406809.1, NM_001406796.1, NM_001406808.1 and 2 more transcripts); c.3268+4A>G (NM_001406795.1, NM_001406802.1); c.3178+4A>G (NM_001406813.1); c.2308+868A>G (NM_001406803.1); and 4 more.
Identifiers: ClinVar variation 2698262 (VCV002698262.3), dbSNP rs2104443914, ClinGen allele CA346756761.

ClinVar aggregate classification (germline): Uncertain significance (1 of 4 stars; one submission).

Conditions:
Hereditary nonpolyposis colorectal neoplasms. Identifiers: MedGen C0009405, MeSH D003123.

Submission:

Labcorp Genetics (formerly Invitae), Labcorp
Classification: Uncertain significance for Hereditary nonpolyposis colorectal neoplasms. Last evaluated: 2023-11-24. Review status: criteria provided, single submitter. Criteria: Invitae Variant Classification Sherloc (09022015). Collection method: clinical testing. Allele origin: germline.
Comment: This sequence change falls in intron 4 of the MSH6 gene. It does not directly change the encoded amino acid sequence of the MSH6 protein. It affects a nucleotide within the consensus splice site. This variant is not present in population databases (gnomAD no frequency). This variant has not been reported in the literature in individuals affected with MSH6-related conditions. Variants that disrupt the consensus splice site are a relatively common cause of aberrant splicing (PMID: 17576681, 9536098). Algorithms developed to predict the effect of sequence changes on RNA splicing suggest that this variant may disrupt the consensus splice site. In summary, the available evidence is currently insufficient to determine the role of this variant in disease. Therefore, it has been classified as a Variant of Uncertain Significance.

Literature cited by the submitters: PubMed 17576681; PubMed 9536098.